The following is an entry in ClinVar:

NM_133433.4(NIPBL):c.4003A>G (p.Arg1335Gly)

Gene: NIPBL (NIPBL cohesin loading factor; plus strand). Cytogenetic location: 5p13.2.
Variant type: single nucleotide variant.
Coding change: c.4003A>G on transcript NM_133433.4 (MANE Select); coding-DNA position 4003, A replaced by G.
Protein change: p.Arg1335Gly; replaces arginine 1335 with glycine.
Molecular consequence: missense variant.
Genome position (GRCh38, 1-based): chr5:37,006,504, A>G. VCF-style: chr5-37006504-A-G. GRCh37 (hg19) VCF-style: chr5-37006606-A-G.
Other names: c.4003A>G, p.Arg1335Gly (NM_015384.5); short protein forms R1335G.
Identifiers: ClinVar variation 3367382 (VCV003367382.2).
Genomic context (GRCh38, chr5:37,006,504, plus strand): 5'-ATCAACATTATGACATCCCCTAACATGCCAAAAGCTGTGTACATTGAGGATGTAATTGAA[A>G]GAGTTATACAGTACACTAAATTTCATTTGCAGAATACACTTTATCCTCAGTATGATCCTG-3'
Protein context (NP_597677.2, residues 1325-1345): KAVYIEDVIE[Arg1335Gly]VIQYTKFHLQ

ClinVar aggregate classification (germline): Uncertain significance (1 of 4 stars; one submission).

gnomAD v4.1: 1 of 1,612,308 alleles (0.000062%); highest among the groups gnomAD compares: Non-Finnish European, 0.000085%; no homozygotes.

Submission:

GeneDx
Classification: Uncertain significance. Last evaluated: 2026-02-04. Review status: criteria provided, single submitter. Criteria: GeneDx Variant Classification Process June 2021. Collection method: clinical testing. Allele origin: germline.
Comment: Not observed at significant frequency in large population cohorts (gnomAD); In silico analysis supports that this missense variant has a deleterious effect on protein structure/function; Has not been previously published as pathogenic or benign to our knowledge